The following is an entry in ClinVar:

ClinVar aggregate classification (germline): Uncertain significance (1 of 4 stars; one submission).

Conditions:
Neuropathy, hereditary sensory and autonomic, type 2A (HSAN2A). Also called: MORVAN DISEASE; NEUROPATHY, CONGENITAL SENSORY; NEUROPATHY, HEREDITARY SENSORY RADICULAR, AUTOSOMAL RECESSIVE; NEUROPATHY, HEREDITARY SENSORY, TYPE IIA; NEUROPATHY, PROGRESSIVE SENSORY, OF CHILDREN; WNK1-Related HSAN2 (HSAN2A). Identifiers: Orphanet 970, MedGen C2752089, MONDO:0024309, OMIM 201300.
Pseudohypoaldosteronism type 2C (PHA2C). Also called: Pseudohypoaldosteronism Type IIC. Identifiers: Orphanet 757, Orphanet 88940, MedGen C1840391, MONDO:0013778, OMIM 614492.

Submission:

Labcorp Genetics (formerly Invitae), Labcorp
Classification: Uncertain significance for Neuropathy, hereditary sensory and autonomic, type 2A; Pseudohypoaldosteronism type 2C. Last evaluated: 2019-04-11. Review status: criteria provided, single submitter. Criteria: Invitae Variant Classification Sherloc (09022015). Collection method: clinical testing. Allele origin: germline.
Comment: This sequence change replaces glycine with alanine at codon 1713 of the WNK1 protein (p.Gly1713Ala). The glycine residue is weakly conserved and there is a small physicochemical difference between glycine and alanine. This variant is not present in population databases (ExAC no frequency). This variant has not been reported in the literature in individuals with WNK1-related conditions. Algorithms developed to predict the effect of missense changes on protein structure and function output the following: SIFT: "Tolerated"; PolyPhen-2: "Not Available"; Align-GVGD: "Class C0". The alanine amino acid residue is found in multiple mammalian species, suggesting that this missense change does not adversely affect protein function. These predictions have not been confirmed by published functional studies and their clinical significance is uncertain. In summary, the available evidence is currently insufficient to determine the role of this variant in disease. Therefore, it has been classified as a Variant of Uncertain Significance.

NM_018979.4(WNK1):c.4382G>C (p.Gly1461Ala)

Gene: WNK1 (WNK lysine deficient protein kinase 1; plus strand). Cytogenetic location: 12p13.33.
Variant type: single nucleotide variant.
Coding change: c.4382G>C on transcript NM_018979.4 (MANE Select); coding-DNA position 4382, G replaced by C.
Protein change: p.Gly1461Ala; replaces glycine 1461 with alanine.
Molecular consequence: missense variant.
Genome position (GRCh38, 1-based): chr12:885,186, G>C. VCF-style: chr12-885186-G-C. GRCh37 (hg19) VCF-style: chr12-994352-G-C.
Other names: c.5162G>C, p.Gly1721Ala (NM_001184985.2); c.3641G>C, p.Gly1214Ala (NM_014823.3); c.5138G>C, p.Gly1713Ala (NM_213655.5); short protein forms G1713A, G1721A, G1214A, G1461A.
Identifiers: ClinVar variation 947781 (VCV000947781.9), dbSNP rs752421235, ClinGen allele CA383331115.
Genomic context (GRCh38, chr12:885,186, plus strand): 5'-TTGTTTCTAGTACAGCACTGTATCCTTCAGTAACAGTTTCAGCAACTTCAGCCTCTGCAG[G>C]GGGCAGTACTGCTACCCCAGGTCCTAAGCCTCCAGCTGTAGTATCTCAGCAGGCAGCAGG-3'
Protein context (NP_061852.3, residues 1451-1471): VTVSATSASA[Gly1461Ala]GSTATPGPKP